The following is an entry in ClinVar:

NM_006767.4(LZTR1):c.321-21_321-20delinsAG

Gene: LZTR1 (leucine zipper like post translational regulator 1; plus strand). Cytogenetic location: 22q11.21.
Variant type: Indel.
Coding change: c.321-21_321-20delinsAG on transcript NM_006767.4 (MANE Select); 21 bases into the intron before coding-DNA position 321 through 20 bases into the intron before coding-DNA position 321, CC replaced by AG.
Molecular consequence: intron variant.
Genome position (GRCh38, 1-based): chr22:20,987,483-20,987,484, CC replaced by AG. VCF-style: chr22-20987483-CC-AG. GRCh37 (hg19) VCF-style: chr22-21341772-CC-AG.
Identifiers: ClinVar variation 3541581 (VCV003541581.1).

ClinVar aggregate classification (germline): Uncertain significance (1 of 4 stars; one submission).

Conditions:
Hereditary cancer-predisposing syndrome. Also called: Hereditary Cancer Syndrome; Hereditary neoplastic syndrome; Tumor predisposition; Neoplastic Syndromes, Hereditary. Identifiers: Orphanet 140162, MedGen C0027672, MeSH D009386, MONDO:0015356.
Cardiovascular phenotype. Identifiers: MedGen CN230736.

Submission:

Ambry Genetics
Classification: Uncertain significance for Cardiovascular phenotype; Hereditary cancer-predisposing syndrome. Last evaluated: 2024-07-26. Review status: criteria provided, single submitter. Criteria: Ambry Variant Classification Scheme 2023. Collection method: clinical testing. Allele origin: germline.
Comment: The c.321-21_321-20delCCinsAG intronic variant, located in intron 3 of the LZTR1 gene, results from the deletion of two nucleotides and the insertion of two nucleotides at nucleotide position c.321-21_321-20. RNA studies have demonstrated that this alteration results in abnormal splicing in the set of samples tested (Ambry internal data). This nucleotide position is poorly conserved in available vertebrate species. In silico splice site analysis predicts that this alteration will not have any significant effect on splicing. Loss-of-function variants in LZTR1 are related to an increased risk for schwannomas and autosomal recessive Noonan syndrome; however, such associations with autosomal dominant Noonan syndrome have not been observed (Piotrowski A et al. Nat Genet. 2014 Feb;46:182-7; Yamamoto GL et al. J Med Genet. 2015 Jun;52:413-21; Johnston JJ et al. Genet Med. 2018 10;20:1175-1185). Based on the supporting evidence, the association of this alteration with an increased risk of LZTR1-related schwannomatosis (SWN)/autosomal recessive Noonan syndrome is unknown; however, the association of this alteration with autosomal dominant Noonan syndrome is unlikely.